The following is an entry in ClinVar:

NM_000092.5(COL4A4):c.3771G>A (p.Pro1257=)

Gene: COL4A4 (collagen type IV alpha 4 chain; minus strand). Cytogenetic location: 2q36.3.
Variant type: single nucleotide variant.
Coding change: c.3771G>A on transcript NM_000092.5 (MANE Select); coding-DNA position 3771, G replaced by A.
Protein change: p.Pro1257=; no amino-acid change (proline 1257 retained).
Molecular consequence: synonymous variant.
Genome position (GRCh38, 1-based): chr2:227,031,991, C>T on the plus strand (G>A on the coding strand, the complement: COL4A4 is on the minus strand). VCF-style: chr2-227031991-C-T. GRCh37 (hg19) VCF-style: chr2-227896707-C-T.
Identifiers: ClinVar variation 994526 (VCV000994526.9), dbSNP rs1384523881, ClinGen allele CA431663464.

ClinVar aggregate classification (germline): Conflicting classifications of pathogenicity. Review status: criteria provided, conflicting classifications (1 of 4 stars). 5 submissions from 5 submitters: Uncertain significance (1); Likely benign (3). 1 of the submissions does not count toward it. Last evaluated 2024-10-04.

Conditions:
COL4A4-related disorder.
Alport syndrome. Also called: Hemorrhagic familial nephritis; Hemorrhagic hereditary nephritis; Congenital hereditary hematuria. Identifiers: Orphanet 63, MedGen C1567741, MONDO:0018965.

Allele frequency attached by ClinVar (database versions not stated): gnomAD exomes below 0.00001 and 0.00001; gnomAD 0.00001; TOPMed 0.00001.
gnomAD v4.1: 14 of 1,613,838 alleles (0.00087%); highest among the groups gnomAD compares: East Asian, 0.0022%; no homozygotes.

Submissions (5):

PreventionGenetics, part of Exact Sciences
Classification: Likely benign for COL4A4-related condition. Last evaluated: 2024-10-04. Review status: criteria provided, single submitter. Criteria: ACMG Guidelines, 2015. Collection method: clinical testing. Allele origin: germline.
Comment: This variant is classified as likely benign based on ACMG/AMP sequence variant interpretation guidelines (Richards et al. 2015 PMID: 25741868, with internal and published modifications).

Labcorp Genetics (formerly Invitae), Labcorp
Classification: Likely benign. Last evaluated: 2024-01-24. Review status: criteria provided, single submitter. Criteria: Invitae Variant Classification Sherloc (09022015). Collection method: clinical testing. Allele origin: germline.

Blueprint Genetics
Classification: Likely benign. Last evaluated: 2020-06-09. Review status: criteria provided, single submitter. Criteria: ACMG Guidelines, 2015. Collection method: clinical testing. Allele origin: germline.

Athena Diagnostics
Classification: Uncertain significance. Last evaluated: 2020-03-31. Review status: criteria provided, single submitter. Criteria: Athena Diagnostics Criteria. Collection method: clinical testing. Allele origin: unknown.

Natera, Inc.
Classification: Uncertain significance for Alport syndrome. Last evaluated: 2020-11-30. Review status: no assertion criteria provided. Collection method: clinical testing. Allele origin: germline. Not counted in ClinVar's aggregate classification.